The following is an entry in ClinVar:

NM_031433.4(MFRP):c.284C>T (p.Ala95Val)

Genes: C1QTNF5 (C1q and TNF related 5; minus strand), MFRP (membrane frizzled-related protein; minus strand). Cytogenetic location: 11q23.3.
Variant type: single nucleotide variant.
Coding change: c.284C>T on transcript NM_031433.4 (MANE Select); coding-DNA position 284, C replaced by T.
Protein change: p.Ala95Val; replaces alanine 95 with valine.
Molecular consequence: missense variant. On other transcripts: 5 prime UTR variant (1).
Genome position (GRCh38, 1-based): chr11:119,345,916, G>A on the plus strand (C>T on the coding strand, the complement: MFRP is on the minus strand). VCF-style: chr11-119345916-G-A. GRCh37 (hg19) VCF-style: chr11-119216626-G-A.
Other names: c.-2353C>T (NM_015645.5); short protein forms A95V.
Identifiers: ClinVar variation 834745 (VCV000834745.8), dbSNP rs1322173907, ClinGen allele CA382979330.
Genomic context (GRCh38, chr11:119,345,916, plus strand): 5'-GTGGTGGTCGTGGTAAGGCCTCCGGCAGGCAGTGGGCTATGGGACGCCCCAGATGGGGGT[G>A]CAGCCTGCAGCTCTGGAGGCGAGAAGATGGAGGGTGGCGTTCAGAGGAGCTGGGTCCTGG-3'
Protein context (NP_113621.1, residues 85-105): VAIILAQLQA[Ala95Val]PPSGASHSPL

ClinVar aggregate classification (germline): Uncertain significance (1 of 4 stars; one submission).

Conditions:
Isolated microphthalmia 5. Also called: Posterior Microphthalmia with Retinitis Pigmentosa, Foveoschisis, and Optic Disc Drusen. Identifiers: Orphanet 251279, MedGen C1970236, MONDO:0012605, OMIM 611040.

Allele frequency attached by ClinVar (database versions not stated): gnomAD exomes 0.00001; TOPMed below 0.00001; gnomAD 0.00001.
gnomAD v4.1: 4 of 1,613,560 alleles (0.00025%); highest among the groups gnomAD compares: Non-Finnish European, 0.00034%; no homozygotes.

Submission:

Labcorp Genetics (formerly Invitae), Labcorp
Classification: Uncertain significance for Isolated microphthalmia 5. Last evaluated: 2022-10-13. Review status: criteria provided, single submitter. Criteria: Invitae Variant Classification Sherloc (09022015). Collection method: clinical testing. Allele origin: germline.
Comment: This variant is not present in population databases (gnomAD no frequency). This sequence change replaces alanine, which is neutral and non-polar, with valine, which is neutral and non-polar, at codon 95 of the MFRP protein (p.Ala95Val). This variant has not been reported in the literature in individuals affected with MFRP-related conditions. ClinVar contains an entry for this variant (Variation ID: 834745). Advanced modeling of protein sequence and biophysical properties (such as structural, functional, and spatial information, amino acid conservation, physicochemical variation, residue mobility, and thermodynamic stability) performed at Invitae indicates that this missense variant is not expected to disrupt MFRP protein function. In summary, the available evidence is currently insufficient to determine the role of this variant in disease. Therefore, it has been classified as a Variant of Uncertain Significance.